The following is an entry in ClinVar:

NM_000392.5(ABCC2):c.159A>G (p.Lys53=)

Genes: ABCC2 (ATP binding cassette subfamily C member 2; plus strand), LOC108281165 (MED14-independent group 3 enhancer GRCh37_chr10:101544125-101545324; plus strand). Cytogenetic location: 10q24.2.
Variant type: single nucleotide variant.
Coding change: c.159A>G on transcript NM_000392.5 (MANE Select); coding-DNA position 159, A replaced by G.
Protein change: p.Lys53=; no amino-acid change (lysine 53 retained).
Molecular consequence: synonymous variant.
Genome position (GRCh38, 1-based): chr10:99,784,733, A>G. VCF-style: chr10-99784733-A-G. GRCh37 (hg19) VCF-style: chr10-101544490-A-G.
Other names: p.Lys53=; c.159A>G, p.Lys53= (LRG_1208t1).
Identifiers: ClinVar variation 286427 (VCV000286427.35), dbSNP rs17222596, ClinGen allele CA5642789.

ClinVar aggregate classification (germline): Benign/Likely benign. Review status: criteria provided, multiple submitters, no conflicts (2 of 4 stars). 9 submissions from 9 submitters: Benign (3); Likely benign (4). 2 of the submissions do not count toward it. Last evaluated 2026-02-03.

Conditions:
Dubin-Johnson syndrome (DJS). Also called: HYPERBILIRUBINEMIA, DUBIN-JOHNSON TYPE; Hyperbilirubinemia type 2; Jaundice, Chronic Idiopathic. Identifiers: Orphanet 234, MedGen C0022350, MONDO:0009380, OMIM 237500.

Allele frequency attached by ClinVar (database versions not stated): ESP Exome Variant Server 0.00138; gnomAD exomes 0.00174 and 0.00279; gnomAD 0.00191 and 0.00202; TOPMed 0.00226; 1000 Genomes Project 0.00240; ExAC 0.00267; 1000 Genomes Project 30x 0.00312.
gnomAD v4.1: 3,000 of 1,614,110 alleles (0.19%); highest among the groups gnomAD compares: Middle Eastern, 4.5%; 16 homozygotes.

Submissions (9):

Labcorp Genetics (formerly Invitae), Labcorp
Classification: Benign. Last evaluated: 2026-02-03. Review status: criteria provided, single submitter. Criteria: Invitae Variant Classification Sherloc (09022015). Collection method: clinical testing. Allele origin: germline.

CeGaT Center for Human Genetics Tuebingen
Classification: Likely benign. Last evaluated: 2024-12-01. Review status: criteria provided, single submitter. Criteria: CeGaT Center For Human Genetics Tuebingen Variant Classification Criteria Version 2. Collection method: clinical testing. Allele origin: germline. Affected: yes. Observed: 1 variant allele.
Comment: ABCC2: BP4, BP7

Blueprint Genetics
Classification: Likely benign. Last evaluated: 2024-11-21. Review status: criteria provided, single submitter. Criteria: ACMG Guidelines, 2015. Collection method: clinical testing. Allele origin: germline.

Mayo Clinic Laboratories, Mayo Clinic
Classification: Benign. Last evaluated: 2022-01-05. Review status: criteria provided, single submitter. Criteria: ACMG Guidelines, 2015. Collection method: clinical testing. Allele origin: germline. Observed: 4 variant alleles.
Comment: BA1, BP4, BP7

Illumina Laboratory Services, Illumina
Classification: Likely benign for Dubin-Johnson syndrome. Last evaluated: 2018-01-13. Review status: criteria provided, single submitter. Criteria: ICSL Variant Classification Criteria 13 December 2019. Collection method: clinical testing. Allele origin: germline.
Comment: This variant was observed in the ICSL laboratory as part of a predisposition screen in an ostensibly healthy population. It had not been previously curated by ICSL or reported in the Human Gene Mutation Database (HGMD: prior to June 1st, 2018), and was therefore a candidate for classification through an automated scoring system. Utilizing variant allele frequency, disease prevalence and penetrance estimates, and inheritance mode, an automated score was calculated to assess if this variant is too frequent to cause the disease. Based on the score and internal cut-off values, a variant classified as likely benign is not then subjected to further curation. The score for this variant resulted in a classification of likely benign for this disease.

Eurofins Ntd Llc (ga)
Classification: Benign. Last evaluated: 2016-02-26. Review status: criteria provided, single submitter. Criteria: EGL Classification Definitions 2015. Collection method: clinical testing. Allele origin: germline. Observed: 1 variant allele, 1 heterozygote.

Breakthrough Genomics
Classification: Likely benign. Review status: criteria provided, single submitter. Criteria: ACMG Guidelines, 2015. Collection method: not provided. Allele origin: germline. Inheritance: Autosomal recessive inheritance. Affected: yes.

Clinical Genetics DNA and cytogenetics Diagnostics Lab, Erasmus MC, Erasmus Medical Center
Classification: Likely benign. Review status: no assertion criteria provided. Collection method: clinical testing. Allele origin: germline. Affected: yes. Study: VKGL Data-share Consensus. Not counted in ClinVar's aggregate classification.

Genome Diagnostics Laboratory, University Medical Center Utrecht
Classification: Likely benign. Review status: no assertion criteria provided. Collection method: clinical testing. Allele origin: germline. Affected: yes. Study: VKGL Data-share Consensus. Not counted in ClinVar's aggregate classification.

Literature cited by the submitters: PubMed 18673259 (cited by Mayo Clinic Laboratories, Mayo Clinic).